The following is an entry in ClinVar:

NM_001082486.2(ACD):c.757C>T (p.Pro253Ser)

Gene: ACD (ACD shelterin complex subunit and telomerase recruitment factor; minus strand). Cytogenetic location: 16q22.1.
Variant type: single nucleotide variant.
Coding change: c.757C>T on transcript NM_001082486.2 (MANE Select); coding-DNA position 757, C replaced by T.
Protein change: p.Pro253Ser; replaces proline 253 with serine.
Molecular consequence: missense variant.
Genome position (GRCh38, 1-based): chr16:67,658,627, G>A on the plus strand (C>T on the coding strand, the complement: ACD is on the minus strand). VCF-style: chr16-67658627-G-A. GRCh37 (hg19) VCF-style: chr16-67692530-G-A.
Other names: c.748C>T, p.Pro250Ser (NM_022914.3); short protein forms P253S, P250S.
Identifiers: ClinVar variation 1742421 (VCV001742421.6), dbSNP rs370413440, ClinGen allele CA8114540.
Genomic context (GRCh38, chr16:67,658,627, plus strand): 5'-GTGAGGAAGGAGGAGAGGCTATGAGGGTCAGAGATAGGTCCTGCAGAGCCGGGTCTGGTG[G>A]GGGCAGCTCAGGGCCTGGGGGGTTCAGGAAGTCTTATCAGCACTGTGGACCTGGGCCCCA-3'
Protein context (NP_001075955.2, residues 243-263): CQRTQGPELP[Pro253Ser]PDPALQDLSL

ClinVar aggregate classification (germline): Uncertain significance. Review status: criteria provided, multiple submitters, no conflicts (2 of 4 stars). 2 submissions from 2 submitters: Uncertain significance (2). Last evaluated 2023-09-10.

Conditions:
Dyskeratosis congenita, autosomal dominant 6 (DKCA6). Identifiers: Orphanet 3322, MedGen C4225284, MONDO:0014690, OMIM 616553.
Inborn genetic diseases. Identifiers: MedGen C0950123, MeSH D030342.

Allele frequency attached by ClinVar (database versions not stated): gnomAD 0.00001; TOPMed 0.00002; ExAC 0.00003; ESP Exome Variant Server 0.00008.

Submissions (2):

Ambry Genetics
Classification: Uncertain significance for Inborn genetic diseases. Last evaluated: 2023-09-10. Review status: criteria provided, single submitter. Criteria: Ambry Variant Classification Scheme 2023. Collection method: clinical testing. Allele origin: germline.
Comment: The p.P339S variant (also known as c.1015C>T), located in coding exon 9 of the ACD gene, results from a C to T substitution at nucleotide position 1015. The proline at codon 339 is replaced by serine, an amino acid with similar properties. This amino acid position is conserved. In addition, this alteration is predicted to be tolerated by in silico analysis. Since supporting evidence is limited at this time, the clinical significance of this alteration remains unclear.

Labcorp Genetics (formerly Invitae), Labcorp
Classification: Uncertain significance for Dyskeratosis congenita, autosomal dominant 6. Last evaluated: 2023-02-11. Review status: criteria provided, single submitter. Criteria: Invitae Variant Classification Sherloc (09022015). Collection method: clinical testing. Allele origin: germline.
Comment: This sequence change replaces proline, which is neutral and non-polar, with serine, which is neutral and polar, at codon 339 of the ACD protein (p.Pro339Ser). In summary, the available evidence is currently insufficient to determine the role of this variant in disease. Therefore, it has been classified as a Variant of Uncertain Significance. Advanced modeling of protein sequence and biophysical properties (such as structural, functional, and spatial information, amino acid conservation, physicochemical variation, residue mobility, and thermodynamic stability) performed at Invitae indicates that this missense variant is not expected to disrupt ACD protein function. ClinVar contains an entry for this variant (Variation ID: 1742421). This variant has not been reported in the literature in individuals affected with ACD-related conditions. This variant is present in population databases (rs370413440, gnomAD 0.01%).